The following is an entry in ClinVar:

NM_032888.4(COL27A1):c.2619+1G>T

Gene: COL27A1 (collagen type XXVII alpha 1 chain; plus strand). Cytogenetic location: 9q32.
Variant type: single nucleotide variant.
Coding change: c.2619+1G>T on transcript NM_032888.4 (MANE Select); the canonical splice donor site of the intron after coding-DNA position 2619, G replaced by T.
Molecular consequence: splice donor variant.
Genome position (GRCh38, 1-based): chr9:114,235,653, G>T. VCF-style: chr9-114235653-G-T. GRCh37 (hg19) VCF-style: chr9-116997933-G-T.
Identifiers: ClinVar variation 2825401 (VCV002825401.3), dbSNP rs2491145256, ClinGen allele CA374589171.

ClinVar aggregate classification (germline): Likely pathogenic (1 of 4 stars; one submission).

Allele frequency attached by ClinVar (database versions not stated): gnomAD exomes below 0.00001.
gnomAD v4.1: 1 of 1,612,094 alleles (0.000062%); highest among the groups gnomAD compares: Non-Finnish European, 0.000085%; no homozygotes.

Submission:

Labcorp Genetics (formerly Invitae), Labcorp
Classification: Likely pathogenic. Last evaluated: 2022-12-31. Review status: criteria provided, single submitter. Criteria: Invitae Variant Classification Sherloc (09022015). Collection method: clinical testing. Allele origin: germline.
Comment: Algorithms developed to predict the effect of sequence changes on RNA splicing suggest that this variant may disrupt the consensus splice site. In summary, the currently available evidence indicates that the variant is pathogenic, but additional data are needed to prove that conclusively. Therefore, this variant has been classified as Likely Pathogenic. This variant has not been reported in the literature in individuals affected with COL27A1-related conditions. This variant is not present in population databases (gnomAD no frequency). This sequence change affects a donor splice site in intron 17 of the COL27A1 gene. It is expected to disrupt RNA splicing. Variants that disrupt the donor or acceptor splice site typically lead to a loss of protein function (PMID: 16199547), and loss-of-function variants in COL27A1 are known to be pathogenic (PMID: 24986830, 28276056).

Literature cited by the submitters: PubMed 16199547; PubMed 24986830; PubMed 28276056.